The following is an entry in ClinVar:

ClinVar aggregate classification (germline): Benign. Review status: criteria provided, multiple submitters, no conflicts (2 of 4 stars). 2 submissions from 2 submitters: Benign (2). Last evaluated 2013-02-21.

Allele frequency attached by ClinVar (database versions not stated): ESP Exome Variant Server 0.02291; gnomAD 0.03251; 1000 Genomes Project 30x 0.01437; 1000 Genomes Project 0.01478; TOPMed 0.02119.
gnomAD v4.1: 44,912 of 1,540,446 alleles (2.9%); highest among the groups gnomAD compares: Non-Finnish European, 3.2%; 830 homozygotes.

Submissions (2):

Laboratory for Molecular Medicine, Mass General Brigham Personalized Medicine
Classification: Benign. Last evaluated: 2013-02-21. Review status: criteria provided, single submitter. Criteria: LMM Criteria. Collection method: clinical testing. Allele origin: germline. Observed: 7 variant alleles.
Comment: 16450+8G>C in intron 41 of MUC5B: This variant is not expected to have clinical significance because it is not located within the conserved splice consensus seq uence. It has been identified in 2.8% (226/8184) of European American chromosome s from a broad population by the NHLBI Exome Sequencing Project (dbSNP rs55665964).

Breakthrough Genomics
Classification: Benign. Review status: criteria provided, single submitter. Criteria: ACMG Guidelines, 2015. Collection method: not provided. Allele origin: germline. Inheritance: Autosomal dominant inheritance. Affected: yes.

NM_002458.3(MUC5B):c.16450+8G>C

Gene: MUC5B (mucin 5B, oligomeric mucus/gel-forming; plus strand). Cytogenetic location: 11p15.5.
Variant type: single nucleotide variant.
Coding change: c.16450+8G>C on transcript NM_002458.3 (MANE Select); 8 bases into the intron after coding-DNA position 16450, G replaced by C.
Molecular consequence: intron variant.
Genome position (GRCh38, 1-based): chr11:1,257,718, G>C. VCF-style: chr11-1257718-G-C. GRCh37 (hg19) VCF-style: chr11-1278948-G-C.
Identifiers: ClinVar variation 178798 (VCV000178798.5), dbSNP rs55665964, ClinGen allele CA183057.